The following is an entry in ClinVar:

NM_139055.4(ADAMTS15):c.1606G>A (p.Val536Met)

Gene: ADAMTS15 (ADAM metallopeptidase with thrombospondin type 1 motif 15; plus strand). Cytogenetic location: 11q24.3.
Variant type: single nucleotide variant.
Coding change: c.1606G>A on transcript NM_139055.4 (MANE Select); coding-DNA position 1606, G replaced by A.
Protein change: p.Val536Met; replaces valine 536 with methionine.
Molecular consequence: missense variant.
Genome position (GRCh38, 1-based): chr11:130,469,325, G>A. VCF-style: chr11-130469325-G-A. GRCh37 (hg19) VCF-style: chr11-130339220-G-A.
Other names: short protein forms V536M.
Identifiers: ClinVar variation 2642547 (VCV002642547.24), dbSNP rs149341964, ClinGen allele CA6365989.

ClinVar aggregate classification (germline): Likely benign (1 of 4 stars; one submission).

Allele frequency attached by ClinVar (database versions not stated): 1000 Genomes Project 0.00080; 1000 Genomes Project 30x 0.00109; gnomAD 0.00176; ESP Exome Variant Server 0.00231; ExAC 0.00268.
gnomAD v4.1: 3,944 of 1,388,708 alleles (0.28%); highest among the groups gnomAD compares: Non-Finnish European, 0.32%; 17 homozygotes.

Submission:

CeGaT Center for Human Genetics Tuebingen
Classification: Likely benign. Last evaluated: 2022-10-01. Review status: criteria provided, single submitter. Criteria: CeGaT Center For Human Genetics Tuebingen Variant Classification Criteria Version 2. Collection method: clinical testing. Allele origin: germline. Affected: yes. Observed: 1 variant allele.
Comment: ADAMTS15: BS2